The following is an entry in ClinVar:

ClinVar aggregate classification (germline): Uncertain significance (1 of 4 stars; one submission).

Submission:

Labcorp Genetics (formerly Invitae), Labcorp
Classification: Uncertain significance. Last evaluated: 2020-10-08. Review status: criteria provided, single submitter. Criteria: Invitae Variant Classification Sherloc (09022015). Collection method: clinical testing. Allele origin: germline.
Comment: In summary, the available evidence is currently insufficient to determine the role of this variant in disease. Therefore, it has been classified as a Variant of Uncertain Significance. This sequence change replaces glycine with aspartic acid at codon 136 of the TNFRSF11A protein (p.Gly136Asp). The glycine residue is highly conserved and there is a moderate physicochemical difference between glycine and aspartic acid. This variant is not present in population databases (ExAC no frequency). This variant has not been reported in the literature in individuals with TNFRSF11A-related conditions. Algorithms developed to predict the effect of missense changes on protein structure and function (SIFT, PolyPhen-2, Align-GVGD) all suggest that this variant is likely to be disruptive, but these predictions have not been confirmed by published functional studies and their clinical significance is uncertain.

NM_003839.4(TNFRSF11A):c.407G>A (p.Gly136Asp)

Gene: TNFRSF11A (TNF receptor superfamily member 11a; plus strand). Cytogenetic location: 18q21.33.
Variant type: single nucleotide variant.
Coding change: c.407G>A on transcript NM_003839.4 (MANE Select); coding-DNA position 407, G replaced by A.
Protein change: p.Gly136Asp; replaces glycine 136 with aspartic acid.
Molecular consequence: missense variant.
Genome position (GRCh38, 1-based): chr18:62,354,514, G>A. VCF-style: chr18-62354514-G-A. GRCh37 (hg19) VCF-style: chr18-60021747-G-A.
Other names: c.407G>A, p.Gly136Asp (NM_001270949.2, NM_001270950.2, NM_001270951.2 and 1 more transcripts); short protein forms G136D.
Identifiers: ClinVar variation 1011301 (VCV001011301.8), dbSNP rs1304211420, ClinGen allele CA402612461.